The following is an entry in ClinVar:

NM_000543.5(SMPD1):c.1340+2_1340+9del

Gene: SMPD1 (sphingomyelin phosphodiesterase 1; plus strand). Cytogenetic location: 11p15.4.
Variant type: Deletion.
Coding change: c.1340+2_1340+9del on transcript NM_000543.5 (MANE Select); the canonical splice donor site of the intron after coding-DNA position 1340 through 9 bases into the intron after coding-DNA position 1340, 8 bases deleted (TAGGACGG; older notation c.1340+2_1340+9delTAGGACGG).
Molecular consequence: splice donor variant.
Genome position (GRCh38, 1-based): chr11:6,393,695-6,393,702, TAGGACGG deleted; deleting any 8 consecutive bases within chr11:6,393,693-6,393,702 gives the same sequence; the c. name uses the placement nearest the transcript's 3' end. VCF-style (leftmost placement, unchanged base first): chr11-6393692-AGGTAGGAC-A. GRCh37 (hg19) VCF-style: chr11-6414922-AGGTAGGAC-A.
Other names: c.419+2_419+9del (NM_001318088.2); c.1208+2_1208+9del (NM_001365135.2); c.1340+2_1340+9del (NM_001318087.2); c.1337+2_1337+9del (NM_001007593.3).
Identifiers: ClinVar variation 2950950 (VCV002950950.3), dbSNP rs2493817489, ClinGen allele CA2740093613.
Genomic context (GRCh38, chr11:6,393,692, plus strand): 5'-CACATTCCCCCAGGGCACTGTCTGAAGAGCTGGAGCTGGAATTATTACCGAATTGTAGCC[AGGTAGGAC>A]GGAGATGAGGGTGGGAATAGGGACAGGGTGAGTGTCTGAAGGCTGAAAATTCCCTTGAGC-3'

ClinVar aggregate classification (germline): Likely pathogenic (1 of 4 stars; one submission).

Conditions:
Niemann-Pick disease, type B. Also called: Chronic Visceral ASMD (Niemann-Pick Disease Type B; NPD-B). Identifiers: Orphanet 77293, MedGen C0268243, MONDO:0011871, OMIM 607616. Disease mechanism: loss of function.
Niemann-Pick disease, type A. Also called: SPHINGOMYELIN LIPIDOSIS; SPHINGOMYELINASE DEFICIENCY; Infantile Neurovisceral ASMD (Niemann-Pick Disease Type A; NPD-A). Identifiers: Orphanet 77292, MedGen C0268242, MONDO:0009756, OMIM 257200. Disease mechanism: loss of function.

Submission:

Labcorp Genetics (formerly Invitae), Labcorp
Classification: Likely pathogenic for Niemann-Pick disease, type B; Niemann-Pick disease, type A. Last evaluated: 2023-08-14. Review status: criteria provided, single submitter. Criteria: Invitae Variant Classification Sherloc (09022015). Collection method: clinical testing. Allele origin: germline.
Comment: This sequence change affects a splice site in intron 4 of the SMPD1 gene. It is expected to disrupt RNA splicing. Variants that disrupt the donor or acceptor splice site typically lead to a loss of protein function (PMID: 16199547), and loss-of-function variants in SMPD1 are known to be pathogenic (PMID: 12369017, 15221801). This variant is not present in population databases (gnomAD no frequency). This variant has not been reported in the literature in individuals affected with SMPD1-related conditions. Algorithms developed to predict the effect of sequence changes on RNA splicing suggest that this variant may disrupt the consensus splice site. In summary, the currently available evidence indicates that the variant is pathogenic, but additional data are needed to prove that conclusively. Therefore, this variant has been classified as Likely Pathogenic.

Literature cited by the submitters: PubMed 16199547; PubMed 12369017; PubMed 15221801.